The following is an entry in ClinVar:

NM_001205293.3(CACNA1E):c.1080_1081dup (p.Val361fs)

Gene: CACNA1E (calcium voltage-gated channel subunit alpha1 E; plus strand). Cytogenetic location: 1q25.3.
Variant type: Microsatellite.
Coding change: c.1080_1081dup on transcript NM_001205293.3 (MANE Select); coding-DNA positions 1080 to 1081, 2 bases duplicated (AG; older notation c.1080_1081dupAG).
Protein change: p.Val361fs; shifts the reading frame from valine 361.
Molecular consequence: frameshift variant.
Genome position (GRCh38, 1-based): chr1:181,710,978-181,710,979, AG duplicated; duplicating any 2 consecutive bases within chr1:181,710,966-181,710,979 gives the same sequence; the c. name uses the placement nearest the transcript's 3' end. VCF-style (leftmost placement, unchanged base first): chr1-181710965-A-AAG. GRCh37 (hg19) VCF-style: chr1-181680101-A-AAG.
Other names: c.1080_1081dup, p.Val361fs (NM_000721.4, NM_001205294.2); short protein forms V361fs.
Identifiers: ClinVar variation 3054688 (VCV003054688.2), dbSNP rs147596634, ClinGen allele CA1275036.

ClinVar aggregate classification (germline): Uncertain significance (0 of 4 stars; one submission).

Conditions:
CACNA1E-related disorder. Also called: CACNA1E-related condition.

Submission:

PreventionGenetics, part of Exact Sciences
Classification: Uncertain significance for CACNA1E-related condition. Last evaluated: 2024-02-19. Review status: no assertion criteria provided. Collection method: clinical testing. Allele origin: germline.
Comment: The CACNA1E c.1080_1081dupAG variant is predicted to result in a frameshift and premature protein termination (p.Val361Glufs*9). This variant was reported to have occurred de novo in an individual from a large autism cohort (supplementary data 2, Zhou et al. 2022. PubMed ID: 35982159). This variant is reported in 0.0063% of alleles in individuals of East Asian descent in gnomAD. However, allele frequency data should be interpreted with caution due to the limitations of next-generation sequencing technology to accurately sequence repetitive regions. At this time, the clinical significance of this variant is uncertain due to the absence of conclusive functional and genetic evidence.